The following is an entry in ClinVar:

NM_199242.3(UNC13D):c.2335G>A (p.Val779Met)

Gene: UNC13D (unc-13 homolog D; minus strand). Cytogenetic location: 17q25.1.
Variant type: single nucleotide variant.
Coding change: c.2335G>A on transcript NM_199242.3 (MANE Select); coding-DNA position 2335, G replaced by A.
Protein change: p.Val779Met; replaces valine 779 with methionine.
Molecular consequence: missense variant.
Genome position (GRCh38, 1-based): chr17:75,834,107, C>T on the plus strand (G>A on the coding strand, the complement: UNC13D is on the minus strand). VCF-style: chr17-75834107-C-T. GRCh37 (hg19) VCF-style: chr17-73830188-C-T.
Other names: short protein forms V779M.
Identifiers: ClinVar variation 403593 (VCV000403593.63), dbSNP rs113861754, ClinGen allele CA8772589.
Genomic context (GRCh38, chr17:75,834,107, plus strand): 5'-AAGGCCAGCAGGCAGAAGGGCCACTTACATCCTCAGGCAGGACAGACTCCCTGACGCCCA[C>T]CAGTTTCTGGATGTGCTTGGCGATGCCCACCTCCAACTGGAGACACAAAACGGAAGAAGG-3'
Protein context (NP_954712.1, residues 769-789): VGIAKHIQKL[Val779Met]GVRESVLPED

ClinVar aggregate classification (germline): Conflicting classifications of pathogenicity. Review status: criteria provided, conflicting classifications (1 of 4 stars). 12 submissions from 12 submitters: Uncertain significance (3); Benign (1); Likely benign (5). 3 of the submissions do not count toward it. Last evaluated 2026-01-30.

Conditions:
UNC13D-related disorder. Also called: UNC13D-related condition.
Intellectual disability. Also called: intellectual disabilities; Intellectual developmental disorder; Intellectual functioning disability. Identifiers: MedGen C3714756, MeSH D008607, MONDO:0001071, HP:0001249.
Autoinflammatory syndrome. Identifiers: Orphanet 93665, MedGen C3890737, MONDO:0019751.
Familial hemophagocytic lymphohistiocytosis 3 (FHL3). Also called: UNC13D-Related Familial Hemophagocytic Lymphohistiocytosis (UNC13D-fHLH). Identifiers: Orphanet 540, MedGen C1837174, MONDO:0012146, OMIM 608898.

Allele frequency attached by ClinVar (database versions not stated): TOPMed 0.00310; gnomAD 0.00350 and 0.00355; gnomAD exomes 0.00423 and 0.00297; 1000 Genomes Project 30x 0.00094; 1000 Genomes Project 0.00120; ExAC 0.00294; ESP Exome Variant Server 0.00308.

Submissions (12):

Labcorp Genetics (formerly Invitae), Labcorp
Classification: Benign for Familial hemophagocytic lymphohistiocytosis 3. Last evaluated: 2026-01-30. Review status: criteria provided, single submitter. Criteria: Invitae Variant Classification Sherloc (09022015). Collection method: clinical testing. Allele origin: germline.

CeGaT Center for Human Genetics Tuebingen
Classification: Likely benign. Last evaluated: 2025-08-01. Review status: criteria provided, single submitter. Criteria: CeGaT Center For Human Genetics Tuebingen Variant Classification Criteria Version 2. Collection method: clinical testing. Allele origin: germline. Affected: yes. Observed: 7 variant alleles.
Comment: UNC13D: BP4, BS2

Mayo Clinic Laboratories, Mayo Clinic
Classification: Likely benign. Last evaluated: 2025-04-25. Review status: criteria provided, single submitter. Criteria: ACMG Guidelines, 2015. Collection method: clinical testing. Allele origin: germline. Observed: 3 variant alleles.
Comment: BS1, BP4

Blueprint Genetics
Classification: Likely benign. Last evaluated: 2024-11-25. Review status: criteria provided, single submitter. Criteria: ACMG Guidelines, 2015. Collection method: clinical testing. Allele origin: germline.

Genetic Services Laboratory, University of Chicago
Classification: Likely benign. Last evaluated: 2021-12-01. Review status: criteria provided, single submitter. Criteria: ACMG Guidelines, 2015. Collection method: clinical testing. Allele origin: germline. Affected: no.

Genome Diagnostics Laboratory, The Hospital for Sick Children
Classification: Uncertain significance for Autoinflammatory syndrome. Last evaluated: 2021-04-13. Review status: criteria provided, single submitter. Criteria: ACMG Guidelines, 2015. Collection method: clinical testing. Allele origin: germline. Affected: yes.

Cambridge Genomics Laboratory, East Genomic Laboratory Hub, NHS Genomic Medicine Service
Classification: Likely benign for Intellectual disability. Last evaluated: 2020-07-13. Review status: criteria provided, single submitter. Criteria: ACGS Best Practice Guidelines for Variant Classification in Rare Disease 2020. Collection method: clinical testing. Allele origin: germline. Affected: yes. Observed: 1 variant allele.

Illumina Laboratory Services, Illumina
Classification: Uncertain significance for Familial hemophagocytic lymphohistiocytosis 3. Last evaluated: 2017-04-27. Review status: criteria provided, single submitter. Criteria: ICSL Variant Classification Criteria 13 December 2019. Collection method: clinical testing. Allele origin: germline.
Comment: This variant was observed as part of a predisposition screen in an ostensibly healthy population. A literature search was performed for the gene, cDNA change, and amino acid change (where applicable). Publications were found based on this search. However, the evidence from the literature, in combination with allele frequency data from public databases where available, was not sufficient to rule this variant in or out of causing disease. Therefore, this variant is classified as a variant of unknown significance.

Laboratory for Molecular Medicine, Mass General Brigham Personalized Medicine
Classification: Uncertain significance. Last evaluated: 2016-03-29. Review status: criteria provided, single submitter. Criteria: LMM Criteria. Collection method: clinical testing. Allele origin: germline.
Comment: Variant identified in a genome or exome case(s) and assessed due to predicted null impact of the variant or pathogenic assertions in the literature or databases. Disclaimer: This variant has not undergone full assessment. The following are preliminary notes: Gene associated with Haemophagocytic lymphohistiocytosis. This variant has been identified in the compound het state with a potential LOF in an individual with reduced levels of B-lymphocytes and IgGs (PMID 25502423).

PreventionGenetics, part of Exact Sciences
Classification: Likely benign for UNC13D-related condition. Last evaluated: 2022-07-28. Review status: no assertion criteria provided. Collection method: clinical testing. Allele origin: germline. Not counted in ClinVar's aggregate classification.
Comment: This variant is classified as likely benign based on ACMG/AMP sequence variant interpretation guidelines (Richards et al. 2015 PMID: 25741868, with internal and published modifications).

Clinical Genetics DNA and cytogenetics Diagnostics Lab, Erasmus MC, Erasmus Medical Center
Classification: Likely benign. Review status: no assertion criteria provided. Collection method: clinical testing. Allele origin: germline. Affected: yes. Study: VKGL Data-share Consensus. Not counted in ClinVar's aggregate classification.

Genome Diagnostics Laboratory, University Medical Center Utrecht
Classification: Likely benign. Review status: no assertion criteria provided. Collection method: clinical testing. Allele origin: germline. Affected: yes. Study: VKGL Data-share Consensus. Not counted in ClinVar's aggregate classification.

Literature cited by the submitters: PubMed 25502423 (cited by Mayo Clinic Laboratories, Mayo Clinic and Illumina Laboratory Services, Illumina); PubMed 38396937 (cited by Mayo Clinic Laboratories, Mayo Clinic); PubMed 38469429 (cited by Mayo Clinic Laboratories, Mayo Clinic).